The following is an entry in ClinVar:

NM_000123.4(ERCC5):c.1340C>T (p.Ala447Val)

Genes: BIVM-ERCC5 (BIVM-ERCC5 readthrough; plus strand), ERCC5 (ERCC excision repair 5, endonuclease; plus strand). Cytogenetic location: 13q33.1.
Variant type: single nucleotide variant.
Coding change: c.1340C>T on transcript NM_000123.4 (MANE Select); coding-DNA position 1340, C replaced by T.
Protein change: p.Ala447Val; replaces alanine 447 with valine.
Molecular consequence: missense variant.
Genome position (GRCh38, 1-based): chr13:102,862,489, C>T. VCF-style: chr13-102862489-C-T. GRCh37 (hg19) VCF-style: chr13-103514839-C-T.
Other names: c.2702C>T, p.Ala901Val (NM_001204425.2); short protein forms A447V, A901V.
Identifiers: ClinVar variation 134188 (VCV000134188.4), dbSNP rs577826260, ClinGen allele CA159054.

ClinVar aggregate classification (germline): Likely benign. Review status: criteria provided, multiple submitters, no conflicts (2 of 4 stars). 4 submissions from 4 submitters: Likely benign (3). 1 of the submissions does not count toward it. Last evaluated 2026-01-28.

Conditions:
ERCC5-related disorder. Also called: ERCC5-related condition.

Allele frequency attached by ClinVar (database versions not stated): gnomAD 0.00001 and 0.00007; TOPMed 0.00003; 1000 Genomes Project 0.00040; 1000 Genomes Project 30x 0.00047.
gnomAD v4.1: 216 of 1,613,978 alleles (0.013%); highest among the groups gnomAD compares: South Asian, 0.21%; 1 homozygote.

Submissions (4):

Labcorp Genetics (formerly Invitae), Labcorp
Classification: Likely benign. Last evaluated: 2026-01-28. Review status: criteria provided, single submitter. Criteria: Invitae Variant Classification Sherloc (09022015). Collection method: clinical testing. Allele origin: germline.

PreventionGenetics, part of Exact Sciences
Classification: Likely benign for ERCC5-related condition. Last evaluated: 2024-11-04. Review status: criteria provided, single submitter. Criteria: ACMG Guidelines, 2015. Collection method: clinical testing. Allele origin: germline.
Comment: This variant is classified as likely benign based on ACMG/AMP sequence variant interpretation guidelines (Richards et al. 2015 PMID: 25741868, with internal and published modifications).

Ambry Genetics
Classification: Likely benign. Last evaluated: 2024-06-16. Review status: criteria provided, single submitter. Criteria: Ambry Variant Classification Scheme 2023. Collection method: clinical testing. Allele origin: germline.

ITMI
No classification provided. Condition: AllHighlyPenetrant. Last evaluated: 2013-09-19. Review status: no classification provided. Collection method: reference population. Allele origin: germline. Not counted in ClinVar's aggregate classification.
Comment: Please see associated publication for description of ethnicities

Literature cited by the submitters: PubMed 24728327 (cited by ITMI).